The following is an entry in ClinVar:

ClinVar aggregate classification (germline): Benign. Review status: criteria provided, multiple submitters, no conflicts (2 of 4 stars). 2 submissions from 2 submitters: Benign (2). Last evaluated 2018-06-15.

Allele frequency attached by ClinVar (database versions not stated): gnomAD 0.17947 and 0.18526; TOPMed 0.19055; 1000 Genomes Project 30x 0.20003; 1000 Genomes Project 0.20188; gnomAD exomes 0.21084.
gnomAD v4.1: 244,857 of 1,178,198 alleles (21%); highest among the groups gnomAD compares: Admixed American, 29%; 26,982 homozygotes.

Submissions (2):

GeneDx
Classification: Benign. Last evaluated: 2018-06-15. Review status: criteria provided, single submitter. Criteria: GeneDx Variant Classification (06012015). Collection method: clinical testing. Allele origin: germline. Affected: yes.
Comment: This variant is considered likely benign or benign based on one or more of the following criteria: it is a conservative change, it occurs at a poorly conserved position in the protein, it is predicted to be benign by multiple in silico algorithms, and/or has population frequency not consistent with disease.

Breakthrough Genomics
Classification: Benign. Review status: criteria provided, single submitter. Criteria: ACMG Guidelines, 2015. Collection method: not provided. Allele origin: germline. Inheritance: Autosomal dominant inheritance. Affected: yes.

NM_001035.3(RYR2):c.3214+112G>A

Gene: RYR2 (ryanodine receptor 2; plus strand). Cytogenetic location: 1q43.
Variant type: single nucleotide variant.
Coding change: c.3214+112G>A on transcript NM_001035.3 (MANE Select); 112 bases into the intron after coding-DNA position 3214, G replaced by A.
Molecular consequence: intron variant.
Genome position (GRCh38, 1-based): chr1:237,550,803, G>A. VCF-style: chr1-237550803-G-A. GRCh37 (hg19) VCF-style: chr1-237714103-G-A.
Identifiers: ClinVar variation 672392 (VCV000672392.2), dbSNP rs2306238, ClinGen allele CA16083532.